The following is an entry in ClinVar:

ClinVar aggregate classification (germline): Likely pathogenic. Review status: criteria provided, single submitter (1 of 4 stars). 2 submissions from 2 submitters: Likely pathogenic (1). 1 of the submissions does not count toward it. Last evaluated 2023-01-23.

Conditions:
ODAPH-related disorder. Also called: ODAPH-related condition.
Amelogenesis imperfecta hypomaturation type 2A4. Also called: Amelogenesis imperfecta, hypomaturation type, IIA4. Identifiers: Orphanet 88661, MedGen C3553830, MONDO:0013906, OMIM 614832.

Submissions (2):

PreventionGenetics, part of Exact Sciences
Classification: Likely pathogenic for ODAPH-related condition. Last evaluated: 2023-01-23. Review status: criteria provided, single submitter. Criteria: ACMG Guidelines, 2015. Collection method: clinical testing. Allele origin: germline.
Comment: The ODAPH c.51_56delinsATGCTGGTTACTGGTA variant is predicted to result in a frameshift and premature protein termination (p.Val18Cysfs*23). This variant has been reported in both the homozygous and compound heterozygous states in individuals with amelogenesis imperfecta (Parry et al 2012. PubMed ID: 22901946). This variant has not been reported in a large population database, indicating this variant is rare. Frameshift variants in ODAPH are expected to be pathogenic. This variant is interpreted as likely pathogenic.

OMIM
Classification: Pathogenic for AMELOGENESIS IMPERFECTA, HYPOMATURATION TYPE, IIA4. Last evaluated: 2012-09-07. Review status: no assertion criteria provided. Collection method: literature only. Allele origin: germline. Not counted in ClinVar's aggregate classification.

Literature cited by the submitters: PubMed 22901946 (cited by OMIM).

NM_178497.5(ODAPH):c.51_56delinsATGCTGGTTACTGGTA (p.Val18fs)

Gene: ODAPH (odontogenesis associated phosphoprotein; plus strand). Cytogenetic location: 4q21.1.
Variant type: Indel.
Coding change: c.51_56delinsATGCTGGTTACTGGTA on transcript NM_178497.5 (MANE Select); coding-DNA positions 51 to 56, GGTAAC replaced by ATGCTGGTTACTGGTA.
Protein change: p.Val18fs; shifts the reading frame from valine 18.
Molecular consequence: frameshift variant. On other transcripts: non-coding transcript variant (2).
Genome position (GRCh38, 1-based): chr4:75,556,133-75,556,138, GGTAAC replaced by ATGCTGGTTACTGGTA. VCF-style: chr4-75556133-GGTAAC-ATGCTGGTTACTGGTA. GRCh37 (hg19) VCF-style: chr4-76481343-GGTAAC-ATGCTGGTTACTGGTA.
Other names: c.51_56delGGTAACinsATGCTGGTTACTGGTA (NM_178497.3); c.51_56delinsATGCTGGTTACTGGTA, p.Val18fs (NM_001206981.2, NM_001257072.2); c.51_56delinsATGCTGGTTACTGGTA (NM_178497.3); short protein forms V18fs.
Identifiers: ClinVar variation 37220 (VCV000037220.2), dbSNP rs1560558455, ClinGen allele CA891842491.